The following is an entry in ClinVar:

ClinVar aggregate classification (germline): Likely benign (1 of 4 stars; one submission).

gnomAD v4.1: 43 of 1,600,744 alleles (0.0027%); highest among the groups gnomAD compares: Middle Eastern, 0.017%; no homozygotes.

Submission:

CeGaT Center for Human Genetics Tuebingen
Classification: Likely benign. Last evaluated: 2025-10-01. Review status: criteria provided, single submitter. Criteria: CeGaT Center For Human Genetics Tuebingen Variant Classification Criteria Version 2. Collection method: clinical testing. Allele origin: germline. Affected: yes. Observed: 2 variant alleles.
Comment: TMTC3: BP4, BP7

NM_181783.4(TMTC3):c.1134A>G (p.Leu378=)

Gene: TMTC3 (transmembrane O-mannosyltransferase targeting cadherins 3; plus strand). Cytogenetic location: 12q21.32.
Variant type: single nucleotide variant.
Coding change: c.1134A>G on transcript NM_181783.4 (MANE Select); coding-DNA position 1134, A replaced by G.
Protein change: p.Leu378=; no amino-acid change (leucine 378 retained).
Molecular consequence: synonymous variant. On other transcripts: non-coding transcript variant (1).
Genome position (GRCh38, 1-based): chr12:88,172,680, A>G. VCF-style: chr12-88172680-A-G. GRCh37 (hg19) VCF-style: chr12-88566457-A-G.
Other names: c.954A>G, p.Leu318= (NM_001366574.1); c.915A>G, p.Leu305= (NM_001366579.1); c.867A>G, p.Leu289= (NM_001366580.1); c.441A>G, p.Leu147= (NM_001366583.1).
Identifiers: ClinVar variation 3389100 (VCV003389100.14).
Genomic context (GRCh38, chr12:88,172,680, plus strand): 5'-ATTTATTCCTGCATCGAACCTTTTTTTTCCAGTTGGATTTGTTGTTGCCGAGCGAGTATT[A>G]TATGTTCCCAGCATGGGGTTCTGTATTTTGGTAGCCCATGGATGGCAGAAAATATCAACA-3'
Protein context (NP_861448.2, residues 368-388): PVGFVVAERV[Leu378=]YVPSMGFCIL